The following is an entry in ClinVar:

NM_199420.4(POLQ):c.2294T>C (p.Phe765Ser)

Gene: POLQ (DNA polymerase theta; minus strand). Cytogenetic location: 3q13.33.
Variant type: single nucleotide variant.
Coding change: c.2294T>C on transcript NM_199420.4 (MANE Select); coding-DNA position 2294, T replaced by C.
Protein change: p.Phe765Ser; replaces phenylalanine 765 with serine.
Molecular consequence: missense variant.
Genome position (GRCh38, 1-based): chr3:121,493,706, A>G on the plus strand (T>C on the coding strand, the complement: POLQ is on the minus strand). VCF-style: chr3-121493706-A-G. GRCh37 (hg19) VCF-style: chr3-121212553-A-G.
Other names: short protein forms F765S.
Identifiers: ClinVar variation 1789154 (VCV001789154.2), dbSNP rs760227858, ClinGen allele CA2563289.
Genomic context (GRCh38, chr3:121,493,706, plus strand): 5'-AGACGCTTCTGAAATTGGGAAAGTAGTAGTTCCATGTTGTGCCAGCCCAGACGGTTGGAA[A>G]ATACTGTAATCATCCCTAGAACATTCATAGAATATTTGTTGAATTCAATTTTTTTTACAG-3'
Protein context (NP_955452.3, residues 755-775): AAVYAGMITV[Phe765Ser]SNRLGWHNME

ClinVar aggregate classification (germline): Uncertain significance (1 of 4 stars; one submission).

Allele frequency attached by ClinVar (database versions not stated): gnomAD exomes below 0.00001; ExAC 0.00001; gnomAD 0.00001; TOPMed 0.00002.
gnomAD v4.1: 4 of 1,613,522 alleles (0.00025%); highest among the groups gnomAD compares: Admixed American, 0.0067%; no homozygotes.

Submission:

Ambry Genetics
Classification: Uncertain significance. Last evaluated: 2023-10-28. Review status: criteria provided, single submitter. Criteria: Ambry Variant Classification Scheme 2023. Collection method: clinical testing. Allele origin: germline.
Comment: The p.F765S variant (also known as c.2294T>C), located in coding exon 15 of the POLQ gene, results from a T to C substitution at nucleotide position 2294. The phenylalanine at codon 765 is replaced by serine, an amino acid with highly dissimilar properties. This amino acid position is conserved. In addition, this alteration is predicted to be deleterious by in silico analysis. Since supporting evidence is limited at this time, the clinical significance of this alteration remains unclear.